The following is an entry in ClinVar:

ClinVar aggregate classification (germline): Likely benign. Review status: criteria provided, multiple submitters, no conflicts (2 of 4 stars). 3 submissions from 3 submitters: Likely benign (3). Last evaluated 2025-02-15.

Allele frequency attached by ClinVar (database versions not stated): TOPMed 0.00002.
gnomAD v4.1: 20 of 1,613,974 alleles (0.0012%); highest among the groups gnomAD compares: Middle Eastern, 0.017%; no homozygotes.

Submissions (3):

Labcorp Genetics (formerly Invitae), Labcorp
Classification: Likely benign. Last evaluated: 2025-02-15. Review status: criteria provided, single submitter. Criteria: Invitae Variant Classification Sherloc (09022015). Collection method: clinical testing. Allele origin: germline.

Blueprint Genetics
Classification: Likely benign. Last evaluated: 2023-11-06. Review status: criteria provided, single submitter. Criteria: ACMG Guidelines, 2015. Collection method: clinical testing. Allele origin: germline.

CeGaT Center for Human Genetics Tuebingen
Classification: Likely benign. Last evaluated: 2022-09-01. Review status: criteria provided, single submitter. Criteria: CeGaT Center For Human Genetics Tuebingen Variant Classification Criteria Version 2. Collection method: clinical testing. Allele origin: germline. Affected: yes. Observed: 1 variant allele.
Comment: SIN3A: BP4, BP7

NM_001145358.2(SIN3A):c.1236A>G (p.Gln412=)

Gene: SIN3A (SIN3 transcription regulator family member A; minus strand). Cytogenetic location: 15q24.2.
Variant type: single nucleotide variant.
Coding change: c.1236A>G on transcript NM_001145358.2 (MANE Select); coding-DNA position 1236, A replaced by G.
Protein change: p.Gln412=; no amino-acid change (glutamine 412 retained).
Molecular consequence: synonymous variant.
Genome position (GRCh38, 1-based): chr15:75,409,917, T>C on the plus strand (A>G on the coding strand, the complement: SIN3A is on the minus strand). VCF-style: chr15-75409917-T-C. GRCh37 (hg19) VCF-style: chr15-75702258-T-C.
Other names: c.1236A>G, p.Gln412= (NM_001145357.2, NM_015477.3).
Identifiers: ClinVar variation 1907806 (VCV001907806.30), dbSNP rs559808137, ClinGen allele CA7667709.